The following continues an entry in ClinVar:

NM_000257.4(MYH7):c.1954A>G (p.Arg652Gly)

Gene: MYH7. ClinVar aggregate classification (germline): Pathogenic/Likely pathogenic. Pathogenic (7); Likely pathogenic (1).

Submissions 6 to 8 of 8:

GeneDx
Classification: Pathogenic. Last evaluated: 2016-11-18. Review status: criteria provided, single submitter. Criteria: GeneDx Variant Classification (06012015). Collection method: clinical testing. Allele origin: germline. Affected: yes.
Comment: The R652G variant in the MYH7 gene has been reported previously in association with HCM (Coto et al., 2012; Ho et al., 2002). In the study by Coto et al., R652G was reported in one individual with HCM and was absent in 150 Caucasian controls (Coto et al., 2012). The R652G variant was also reported in one family in which R652G was present in four family members with a HCM phenotype (Ho et al., 2002). R652G results in a non-conservative amino acid substitution of a hydrophilic Arginine with a hydrophobic Glycine at a residue that is conserved across species. In silico analysis predicts R652G is probably damaging to the protein structure/function. Additionally, pathogenic variants in nearby residues (S642L, L658V, M659T, M659I, T660N) have been reported in HGMD in association with cardiomyopathy (Stenson P et al., 2014), further supporting the functional importance of this region of the protein. Finally, the R652G variant was not observed in approximately 6,500 individuals of European and African American ancestry in the NHLBI Exome Sequencing Project, indicating it is not a common benign variant in these populations. Therefore, we interpret the R652G variant as pathogenic.

Laboratory for Molecular Medicine, Mass General Brigham Personalized Medicine
Classification: Pathogenic for Hypertrophic cardiomyopathy. Last evaluated: 2015-05-26. Review status: criteria provided, single submitter. Criteria: LMM Criteria. Collection method: clinical testing. Allele origin: germline. Inheritance: Autosomal dominant inheritance. Observed: 2 variant alleles.
Comment: The p.Arg652Gly variant has been reported in 2 individuals with HCM (Ho 2002, Co to 2012) and was reported to segregate with disease in 6 affected relatives (C. Seidman, pers comm). This variant has also been identified in 1/66208 of Europea n chromosomes by the Exome Aggregation Consortium (ExAC), though for diseases with clinical variability and reduced penetrance, pathogenic variants may be present at a low frequency in the general population. Arginine (Arg) at position 652 is highly conserved in mammals and across evolut ionarily distant species and the change to glycine (Gly) was predicted to be pat hogenic using a computational tool clinically validated by our laboratory. This tool's pathogenic prediction is estimated to be correct 94% of the time (Jordan 2011). In addition, this variant is located in the last three bases of the exon, which is part of the 5? splice region, though computational tools do not sugges t an impact to splicing. In summary, this variant meets our criteria to be class ified as pathogenic for HCM in an autosomal dominant manner (.org/personalizedmedicine/LMM) based upon segregation studies and its low freque ncy in the general population.

Stanford Center for Inherited Cardiovascular Disease, Stanford University
Classification: Likely pathogenic. Last evaluated: 2011-12-05. Review status: criteria provided, single submitter. Criteria: ACMG Guidelines, 2015. Collection method: provider interpretation. Allele origin: germline.

Literature cited by the submitters: PubMed 22429680 (cited by 4 submitters); PubMed 22765922 (cited by 5 submitters); PubMed 23549607 (cited by Labcorp Genetics (formerly Invitae), Labcorp and Color Diagnostics, LLC DBA Color Health); PubMed 27247418 (cited by Labcorp Genetics (formerly Invitae), Labcorp and Ambry Genetics); PubMed 27532257 (cited by 5 submitters); PubMed 28790153 (cited by 4 submitters); PubMed 21310275 (cited by Labcorp Genetics (formerly Invitae), Labcorp); PubMed 12081993 (cited by 5 submitters); PubMed 18533079 (cited by 3 submitters); PubMed 23690394 (cited by Ambry Genetics and Agnes Ginges Centre for Molecular Cardiology, Centenary Institute); PubMed 25228707 (cited by Ambry Genetics); PubMed 25524337 (cited by 3 submitters); PubMed 28138913 (cited by Ambry Genetics); PubMed 28241245 (cited by Ambry Genetics); PubMed 28323875 (cited by Ambry Genetics and Agnes Ginges Centre for Molecular Cardiology, Centenary Institute); PubMed 28408708 (cited by Ambry Genetics); PubMed 28615295 (cited by Ambry Genetics and Women's Health and Genetics/Laboratory Corporation of America, LabCorp); PubMed 31424582 (cited by Ambry Genetics); PubMed 32746448 (cited by Ambry Genetics and Color Diagnostics, LLC DBA Color Health); PubMed 30297972 (cited by Color Diagnostics, LLC DBA Color Health and Women's Health and Genetics/Laboratory Corporation of America, LabCorp); PubMed 33495597 (cited by Color Diagnostics, LLC DBA Color Health); PubMed 36252119 (cited by Women's Health and Genetics/Laboratory Corporation of America, LabCorp).